The following is an entry in ClinVar:

NM_015474.4(SAMHD1):c.1504G>T (p.Val502Phe)

Gene: SAMHD1 (SAM and HD domain containing deoxynucleoside triphosphate triphosphohydrolase 1; minus strand). Cytogenetic location: 20q11.23.
Variant type: single nucleotide variant.
Coding change: c.1504G>T on transcript NM_015474.4 (MANE Select); coding-DNA position 1504, G replaced by T.
Protein change: p.Val502Phe; replaces valine 502 with phenylalanine.
Molecular consequence: missense variant. On other transcripts: intron variant (1).
Genome position (GRCh38, 1-based): chr20:36,898,544, C>A on the plus strand (G>T on the coding strand, the complement: SAMHD1 is on the minus strand). VCF-style: chr20-36898544-C-A. GRCh37 (hg19) VCF-style: chr20-35526947-C-A.
Other names: c.1504G>T, p.Val502Phe (NM_001363733.2); c.1504-585G>T (NM_001363729.2); short protein forms V502F.
Identifiers: ClinVar variation 3688946 (VCV003688946.2).

ClinVar aggregate classification (germline): Uncertain significance (1 of 4 stars; one submission).

Conditions:
Aicardi-Goutieres syndrome 5. Identifiers: Orphanet 51, MedGen C2749659, MONDO:0013059, OMIM 612952.

gnomAD v4.1: 1 of 1,610,294 alleles (0.000062%); highest among the groups gnomAD compares: Non-Finnish European, 0.000085%; no homozygotes.

Submission:

Labcorp Genetics (formerly Invitae), Labcorp
Classification: Uncertain significance for Aicardi-Goutieres syndrome 5. Last evaluated: 2024-09-11. Review status: criteria provided, single submitter. Criteria: Invitae Variant Classification Sherloc (09022015). Collection method: clinical testing. Allele origin: germline.
Comment: This sequence change replaces valine, which is neutral and non-polar, with phenylalanine, which is neutral and non-polar, at codon 502 of the SAMHD1 protein (p.Val502Phe). This variant is present in population databases (no rsID available, gnomAD 0.0009%). This variant has not been reported in the literature in individuals affected with SAMHD1-related conditions. An algorithm developed to predict the effect of missense changes on protein structure and function (PolyPhen-2) suggests that this variant is likely to be tolerated. Algorithms developed to predict the effect of sequence changes on RNA splicing suggest that this variant may disrupt the consensus splice site. In summary, the available evidence is currently insufficient to determine the role of this variant in disease. Therefore, it has been classified as a Variant of Uncertain Significance.